The following is an entry in ClinVar:

ClinVar aggregate classification (germline): Benign (1 of 4 stars; one submission).

gnomAD v4.1: 20,315 of 152,216 alleles (13%); highest among the groups gnomAD compares: South Asian, 19%; 1,516 homozygotes.

Submission:

Unidad de Genómica Garrahan, Hospital de Pediatría Garrahan
Classification: Benign. Last evaluated: 2024-07-31. Review status: criteria provided, single submitter. Criteria: ACMG Guidelines, 2015. Collection method: clinical testing. Allele origin: germline. Affected: no. Observed: 26 variant alleles.
Comment: This variant is classified as Benign based on local population frequency. This variant was detected in 28% of patients studied in a panel designed for Epileptic and Developmental Encephalopathy, Progressive Myoclonus Epilepsy and Abnormal Movements and Neurodegeneration with brain iron accumulation. Number of patients: 26. Only high quality variants are reported.

NM_016373.4(WWOX):c.1056+141254A>G

Gene: WWOX (WW domain containing oxidoreductase; plus strand). Cytogenetic location: 16q23.1.
Variant type: single nucleotide variant.
Coding change: c.1056+141254A>G on transcript NM_016373.4 (MANE Select); 141254 bases into the intron after coding-DNA position 1056, A replaced by G.
Molecular consequence: intron variant.
Genome position (GRCh38, 1-based): chr16:78,574,006, A>G. VCF-style: chr16-78574006-A-G. GRCh37 (hg19) VCF-style: chr16-78607903-A-G.
Other names: c.717+141254A>G (NM_001291997.2).
Identifiers: ClinVar variation 3256819 (VCV003256819.2).